The following is an entry in ClinVar:

ClinVar aggregate classification (germline): Uncertain significance (1 of 4 stars; one submission).

Allele frequency attached by ClinVar (database versions not stated): gnomAD exomes below 0.00001.
gnomAD v4.1: 7 of 1,612,270 alleles (0.00043%); highest among the groups gnomAD compares: African/African-American, 0.004%; no homozygotes.

Submission:

Labcorp Genetics (formerly Invitae), Labcorp
Classification: Uncertain significance. Last evaluated: 2025-07-07. Review status: criteria provided, single submitter. Criteria: Invitae Variant Classification Sherloc (09022015). Collection method: clinical testing. Allele origin: germline.
Comment: This sequence change replaces leucine, which is neutral and non-polar, with proline, which is neutral and non-polar, at codon 1305 of the COL18A1 protein (p.Leu1305Pro). This variant is not present in population databases (gnomAD no frequency). This variant has not been reported in the literature in individuals affected with COL18A1-related conditions. ClinVar contains an entry for this variant (Variation ID: 1515951). Experimental studies and prediction algorithms are not available or were not evaluated, and the functional significance of this variant is currently unknown. In summary, the available evidence is currently insufficient to determine the role of this variant in disease. Therefore, it has been classified as a Variant of Uncertain Significance.

NM_001379500.1(COL18A1):c.3923T>C (p.Leu1308Pro)

Genes: COL18A1 (collagen type XVIII alpha 1 chain; plus strand), SLC19A1 (solute carrier family 19 member 1; minus strand). Cytogenetic location: 21q22.3.
Variant type: single nucleotide variant.
Coding change: c.3923T>C on transcript NM_001379500.1 (MANE Select); coding-DNA position 3923, T replaced by C.
Protein change: p.Leu1308Pro; replaces leucine 1308 with proline.
Molecular consequence: missense variant.
Genome position (GRCh38, 1-based): chr21:45,512,301, T>C. VCF-style: chr21-45512301-T-C. GRCh37 (hg19) VCF-style: chr21-46932215-T-C.
Other names: c.4454T>C, p.Leu1485Pro (NM_030582.4); c.5159T>C, p.Leu1720Pro (NM_130444.3); short protein forms L1485P, L1720P, L1308P.
Identifiers: ClinVar variation 1515951 (VCV001515951.6), dbSNP rs2146151966, ClinGen allele CA410502327.